The following is an entry in ClinVar:

ClinVar aggregate classification (germline): Likely pathogenic (1 of 4 stars; one submission).

Conditions:
Citrullinemia. Identifiers: Orphanet 187, MedGen C0175683, MONDO:0015991.

Submission:

Labcorp Genetics (formerly Invitae), Labcorp
Classification: Likely pathogenic for Citrullinemia. Last evaluated: 2023-11-20. Review status: criteria provided, single submitter. Criteria: Invitae Variant Classification Sherloc (09022015). Collection method: clinical testing. Allele origin: germline.
Comment: This sequence change affects a donor splice site in intron 10 of the ASS1 gene. It is expected to disrupt RNA splicing. Variants that disrupt the donor or acceptor splice site typically lead to a loss of protein function (PMID: 16199547), and loss-of-function variants in ASS1 are known to be pathogenic (PMID: 18473344, 19006241). This variant is not present in population databases (gnomAD no frequency). This variant has not been reported in the literature in individuals affected with ASS1-related conditions. Algorithms developed to predict the effect of sequence changes on RNA splicing suggest that this variant may disrupt the consensus splice site. In summary, the currently available evidence indicates that the variant is pathogenic, but additional data are needed to prove that conclusively. Therefore, this variant has been classified as Likely Pathogenic.

Literature cited by the submitters: PubMed 16199547; PubMed 18473344; PubMed 19006241.

NM_054012.4(ASS1):c.688+1G>C

Gene: ASS1 (argininosuccinate synthase 1; plus strand). Cytogenetic location: 9q34.11.
Variant type: single nucleotide variant.
Coding change: c.688+1G>C on transcript NM_054012.4 (MANE Select); the canonical splice donor site of the intron after coding-DNA position 688, G replaced by C.
Molecular consequence: splice donor variant.
Genome position (GRCh38, 1-based): chr9:130,476,962, G>C. VCF-style: chr9-130476962-G-C. GRCh37 (hg19) VCF-style: chr9-133352349-G-C.
Other names: c.688+1G>C (NM_000050.4).
Identifiers: ClinVar variation 2697716 (VCV002697716.3), dbSNP rs2490582225, ClinGen allele CA375228693.